The following is an entry in ClinVar:

ClinVar aggregate classification (germline): Benign/Likely benign. Review status: criteria provided, multiple submitters, no conflicts (2 of 4 stars). 5 submissions from 5 submitters: Benign (2); Likely benign (3). Last evaluated 2025-12-24.

Conditions:
Tuberous sclerosis syndrome (TSC). Also called: Tuberous Sclerosis Complex; Tuberous sclerosis. Identifiers: Orphanet 805, MedGen C0041341, MONDO:0001734.
Hereditary cancer-predisposing syndrome. Also called: Neoplastic Syndromes, Hereditary; Hereditary Cancer Syndrome; Hereditary neoplastic syndrome; Tumor predisposition. Identifiers: Orphanet 140162, MedGen C0027672, MeSH D009386, MONDO:0015356.
Tuberous sclerosis 1 (TSC1). Identifiers: Orphanet 805, MedGen C1854465, MONDO:0008612, OMIM 191100.

Submissions (5):

Labcorp Genetics (formerly Invitae), Labcorp
Classification: Likely benign for Tuberous sclerosis 1. Last evaluated: 2025-12-24. Review status: criteria provided, single submitter. Criteria: Invitae Variant Classification Sherloc (09022015). Collection method: clinical testing. Allele origin: germline.

Myriad Genetics, Inc.
Classification: Benign for Tuberous sclerosis 1. Last evaluated: 2025-04-08. Review status: criteria provided, single submitter. Criteria: Myriad Autosomal Dominant, Autosomal Recessive and X-Linked Classification Criteria (2023). Collection method: clinical testing. Allele origin: unknown.
Comment: This variant is considered benign. This variant is a silent/synonymous amino acid change and it is not expected to impact splicing.

All of Us Research Program, National Institutes of Health
Classification: Likely benign for Tuberous sclerosis syndrome. Last evaluated: 2023-12-13. Review status: criteria provided, single submitter. Criteria: ACMG Guidelines, 2015. Collection method: clinical testing. Allele origin: germline. Inheritance: Autosomal dominant inheritance. Observed: 1 variant allele, 1 heterozygote.
Comment: This study involves interpretation of variants in research participants for the purpose of population health screening. Participant phenotype was not available at the time of variant classification. Additional details can be found in publication PMID: 35346344, PMCID: PMC8962531

Genome-Nilou Lab
Classification: Benign for Tuberous sclerosis 1. Last evaluated: 2021-11-07. Review status: criteria provided, single submitter. Criteria: ACMG Guidelines, 2015. Collection method: clinical testing. Allele origin: germline. Affected: no.

Ambry Genetics
Classification: Likely benign for Hereditary cancer-predisposing syndrome. Last evaluated: 2018-12-27. Review status: criteria provided, single submitter. Criteria: Ambry Variant Classification Scheme 2023. Collection method: clinical testing. Allele origin: germline.

NM_000368.5(TSC1):c.660C>T (p.Val220=)

Gene: TSC1 (TSC complex subunit 1; minus strand). Cytogenetic location: 9q34.13.
Variant type: single nucleotide variant.
Coding change: c.660C>T on transcript NM_000368.5 (MANE Select); coding-DNA position 660, C replaced by T.
Protein change: p.Val220=; no amino-acid change (valine 220 retained).
Molecular consequence: synonymous variant.
Genome position (GRCh38, 1-based): chr9:132,921,822, G>A on the plus strand (C>T on the coding strand, the complement: TSC1 is on the minus strand). VCF-style: chr9-132921822-G-A. GRCh37 (hg19) VCF-style: chr9-135797209-G-A.
Other names: c.660C>T, p.Val220= (NM_001162426.2); c.507C>T, p.Val169= (NM_001162427.2); c.297C>T, p.Val99= (NM_001362177.2).
Identifiers: ClinVar variation 826510 (VCV000826510.17), dbSNP rs1588346808, ClinGen allele CA467593762.